The following is an entry in ClinVar:

NM_000088.4(COL1A1):c.2208del (p.Gly737fs)

Gene: COL1A1 (collagen type I alpha 1 chain; minus strand). Cytogenetic location: 17q21.33.
Variant type: Deletion.
Coding change: c.2208del on transcript NM_000088.4 (MANE Select); coding-DNA position 2208, one base deleted (T; older notation c.2208delT).
Protein change: p.Gly737fs; shifts the reading frame from glycine 737.
Molecular consequence: frameshift variant.
Genome position (GRCh38, 1-based): chr17:50,191,410, A deleted on the plus strand (T on the coding strand, the reverse complement: COL1A1 is on the minus strand). VCF-style (leftmost placement, unchanged base first): chr17-50191409-CA-C. GRCh37 (hg19) VCF-style: chr17-48268770-CA-C.
Other names: short protein forms G737fs.
Identifiers: ClinVar variation 3390159 (VCV003390159.14).

ClinVar aggregate classification (germline): Pathogenic (1 of 4 stars; one submission).

Submission:

CeGaT Center for Human Genetics Tuebingen
Classification: Pathogenic. Last evaluated: 2024-11-01. Review status: criteria provided, single submitter. Criteria: CeGaT Center For Human Genetics Tuebingen Variant Classification Criteria Version 2. Collection method: clinical testing. Allele origin: germline. Affected: yes. Observed: 1 variant allele.
Comment: COL1A1: PVS1, PM2, PS4:Supporting